The following is an entry in ClinVar:

NM_000138.5(FBN1):c.6690C>G (p.Cys2230Trp)

Gene: FBN1 (fibrillin 1; minus strand). Cytogenetic location: 15q21.1.
Variant type: single nucleotide variant.
Coding change: c.6690C>G on transcript NM_000138.5 (MANE Select); coding-DNA position 6690, C replaced by G.
Protein change: p.Cys2230Trp; replaces cysteine 2230 with tryptophan.
Molecular consequence: missense variant.
Genome position (GRCh38, 1-based): chr15:48,432,915, G>C on the plus strand (C>G on the coding strand, the complement: FBN1 is on the minus strand). VCF-style: chr15-48432915-G-C. GRCh37 (hg19) VCF-style: chr15-48725112-G-C.
Other names: short protein forms C2230W.
Identifiers: ClinVar variation 179532 (VCV000179532.4), dbSNP rs727504931, ClinGen allele CA016650.

ClinVar aggregate classification (germline): Uncertain significance (1 of 4 stars; one submission).

Submission:

Laboratory for Molecular Medicine, Mass General Brigham Personalized Medicine
Classification: Uncertain significance. Last evaluated: 2014-01-16. Review status: criteria provided, single submitter. Criteria: LMM Criteria. Collection method: clinical testing. Allele origin: germline. Observed: 2 variant alleles.
Comment: This variant has not been observed in large po pulation studies. This variant affects a cysteine residue; cysteine substitution s are a common finding in individuals with Marfan syndrome (Schrijver, 1999). Co mputational analyses (biochemical amino acid properties, conservation, AlignGVGD , PolyPhen2, and SIFT) suggest that the Cys2230Trp variant may impact the normal function of the protein, though this information is not predictive enough to co nclusively determine pathogenicity. In summary, additional information is needed to fully assess the clinical significance of the Cys2230Trp variant.

Literature cited by the submitters: PubMed 10486319.